The following is an entry in ClinVar:

NM_003482.4(KMT2D):c.13390C>T (p.Gln4464Ter)

Gene: KMT2D (lysine methyltransferase 2D; minus strand). Cytogenetic location: 12q13.12.
Variant type: single nucleotide variant.
Coding change: c.13390C>T on transcript NM_003482.4 (MANE Select); coding-DNA position 13390, C replaced by T.
Protein change: p.Gln4464Ter; replaces glutamine 4464 with a stop codon.
Molecular consequence: nonsense.
Genome position (GRCh38, 1-based): chr12:49,031,315, G>A on the plus strand (C>T on the coding strand, the complement: KMT2D is on the minus strand). VCF-style: chr12-49031315-G-A. GRCh37 (hg19) VCF-style: chr12-49425098-G-A.
Other names: short protein forms Q4464*.
Identifiers: ClinVar variation 2636232 (VCV002636232.1), dbSNP rs1283072905, ClinGen allele CA384704671.

ClinVar aggregate classification (germline): Pathogenic (1 of 4 stars; one submission).

Conditions:
KMT2D-related disorder. Also called: KMT2D-Related Disorders.

Submission:

PreventionGenetics, part of Exact Sciences
Classification: Pathogenic for KMT2D-related condition. Last evaluated: 2022-08-21. Review status: criteria provided, single submitter. Criteria: ACMG Guidelines, 2015. Collection method: clinical testing. Allele origin: germline.
Comment: The KMT2D c.13390C>T variant is predicted to result in premature protein termination (p.Gln4464*). This variant was reported to have occurred de novo in an individual with Kabuki syndrome (Supplementary Table 3 in Ng et al. 2010. PubMed ID: 20711175). This variant has not been reported in a large population database, indicating it is rare. Nonsense variants in KMT2D are expected to be pathogenic. Taken together, this variant is interpreted as pathogenic.